The following is an entry in ClinVar:

ClinVar aggregate classification (germline): Uncertain significance (1 of 4 stars; one submission).

Conditions:
Hypertrophic cardiomyopathy. Also called: HYPERTROPHIC MYOCARDIOPATHY. Identifiers: Orphanet 217569, MedGen C0007194, MeSH D002312, MONDO:0005045, HP:0001639.

Allele frequency attached by ClinVar (database versions not stated): TOPMed below 0.00001.

Submission:

Labcorp Genetics (formerly Invitae), Labcorp
Classification: Uncertain significance for Hypertrophic cardiomyopathy. Last evaluated: 2025-07-23. Review status: criteria provided, single submitter. Criteria: Invitae Variant Classification Sherloc (09022015). Collection method: clinical testing. Allele origin: germline.
Comment: This sequence change replaces glycine, which is neutral and non-polar, with aspartic acid, which is acidic and polar, at codon 1195 of the MYBPC3 protein (p.Gly1195Asp). This variant is not present in population databases (gnomAD no frequency). This variant has not been reported in the literature in individuals affected with MYBPC3-related conditions. ClinVar contains an entry for this variant (Variation ID: 566660). An algorithm developed to predict the effect of missense changes on protein structure and function (PolyPhen-2) suggests that this variant is likely to be disruptive. In summary, the available evidence is currently insufficient to determine the role of this variant in disease. Therefore, it has been classified as a Variant of Uncertain Significance.

NM_000256.3(MYBPC3):c.3584G>A (p.Gly1195Asp)

Gene: MYBPC3 (myosin binding protein C3; minus strand). Cytogenetic location: 11p11.2.
Variant type: single nucleotide variant.
Coding change: c.3584G>A on transcript NM_000256.3 (MANE Select); coding-DNA position 3584, G replaced by A.
Protein change: p.Gly1195Asp; replaces glycine 1195 with aspartic acid.
Molecular consequence: missense variant.
Genome position (GRCh38, 1-based): chr11:47,332,609, C>T on the plus strand (G>A on the coding strand, the complement: MYBPC3 is on the minus strand). VCF-style: chr11-47332609-C-T. GRCh37 (hg19) VCF-style: chr11-47354160-C-T.
Other names: c.3584G>A, p.Gly1195Asp (LRG_386t1); short protein forms G1195D.
Identifiers: ClinVar variation 566660 (VCV000566660.10), dbSNP rs730880595, ClinGen allele CA380312461.